The following is an entry in ClinVar:

NM_152617.4(RNF168):c.378+9T>C

Gene: RNF168 (ring finger protein 168; minus strand). Cytogenetic location: 3q29.
Variant type: single nucleotide variant.
Coding change: c.378+9T>C on transcript NM_152617.4 (MANE Select); 9 bases into the intron after coding-DNA position 378, T replaced by C.
Molecular consequence: intron variant.
Genome position (GRCh38, 1-based): chr3:196,488,598, A>G on the plus strand (T>C on the coding strand, the complement: RNF168 is on the minus strand). VCF-style: chr3-196488598-A-G. GRCh37 (hg19) VCF-style: chr3-196215469-A-G.
Identifiers: ClinVar variation 3053439 (VCV003053439.4), dbSNP rs1198051589, ClinGen allele CA549035921.

ClinVar aggregate classification (germline): Likely benign. Review status: criteria provided, single submitter (1 of 4 stars). 2 submissions from 2 submitters: Likely benign (1). 1 of the submissions does not count toward it. Last evaluated 2025-11-03.

Conditions:
RNF168-related disorder. Also called: RNF168-related condition.

Allele frequency attached by ClinVar (database versions not stated): gnomAD 0.00001; TOPMed 0.00002.
gnomAD v4.1: 25 of 1,528,906 alleles (0.0016%); highest among the groups gnomAD compares: Non-Finnish European, 0.0023%; no homozygotes.

Submissions (2):

Labcorp Genetics (formerly Invitae), Labcorp
Classification: Likely benign. Last evaluated: 2025-11-03. Review status: criteria provided, single submitter. Criteria: Invitae Variant Classification Sherloc (09022015). Collection method: clinical testing. Allele origin: germline.

PreventionGenetics, part of Exact Sciences
Classification: Likely benign for RNF168-related condition. Last evaluated: 2019-08-28. Review status: no assertion criteria provided. Collection method: clinical testing. Allele origin: germline. Not counted in ClinVar's aggregate classification.
Comment: This variant is classified as likely benign based on ACMG/AMP sequence variant interpretation guidelines (Richards et al. 2015 PMID: 25741868, with internal and published modifications).